The following is an entry in ClinVar:

NM_001267550.2(TTN):c.267G>A (p.Ala89=)

Gene: TTN (titin; minus strand). Cytogenetic location: 2q31.2.
Variant type: single nucleotide variant.
Coding change: c.267G>A on transcript NM_001267550.2 (MANE Select); coding-DNA position 267, G replaced by A.
Protein change: p.Ala89=; no amino-acid change (alanine 89 retained).
Molecular consequence: synonymous variant.
Genome position (GRCh38, 1-based): chr2:178,802,166, C>T on the plus strand (G>A on the coding strand, the complement: TTN is on the minus strand). VCF-style: chr2-178802166-C-T. GRCh37 (hg19) VCF-style: chr2-179666893-C-T.
Other names: c.267G>A, p.Ala89= (NM_001256850.1, NM_003319.4, NM_133378.4 and 3 more transcripts).
Identifiers: ClinVar variation 502664 (VCV000502664.33), dbSNP rs577716745, ClinGen allele CA2006378.
Genomic context (GRCh38, chr2:178,802,166, plus strand): 5'-AGCAGAGGATTGGCAGGTCCCCAGCAGCCTACCTTTCACGAGAAGCTCAGCAGTACTAGT[C>T]GCTTGTCCAGATCCATTGGTGGCTTTCAGGGAATATCGTCCACTGTTGGCTTTAGTCACG-3'
Protein context (NP_001254479.2, residues 79-99): SLKATNGSGQ[Ala89=]TSTAELLVKA

ClinVar aggregate classification (germline): Conflicting classifications of pathogenicity. Review status: criteria provided, conflicting classifications (1 of 4 stars). 6 submissions from 6 submitters: Uncertain significance (1); Likely benign (5). Last evaluated 2026-06-01.

Conditions:
Cardiovascular phenotype. Identifiers: MedGen CN230736.
Dilated cardiomyopathy 1G (CMD1G). Identifiers: Orphanet 154, MedGen C1858763, MONDO:0011400, OMIM 604145.
Autosomal recessive limb-girdle muscular dystrophy type 2J (LGMDR10). Also called: Limb-girdle muscular dystrophy, type 2J; MUSCULAR DYSTROPHY, LIMB-GIRDLE, AUTOSOMAL RECESSIVE 10. Identifiers: Orphanet 140922, MedGen C1837342, MONDO:0012127, OMIM 608807.

Allele frequency attached by ClinVar (database versions not stated): gnomAD 0.00001; gnomAD exomes 0.00001; TOPMed 0.00001; ExAC 0.00002; 1000 Genomes Project 0.00020; 1000 Genomes Project 30x 0.00031.
gnomAD v4.1: 22 of 1,614,078 alleles (0.0014%); highest among the groups gnomAD compares: Middle Eastern, 0.017%; no homozygotes.

Submissions (6):

CeGaT Center for Human Genetics Tuebingen
Classification: Likely benign. Last evaluated: 2026-06-01. Review status: criteria provided, single submitter. Criteria: CeGaT Center For Human Genetics Tuebingen Variant Classification Criteria Version 2. Collection method: clinical testing. Allele origin: germline. Affected: yes. Observed: 1 variant allele.
Comment: TTN: BP4, BP7

Labcorp Genetics (formerly Invitae), Labcorp
Classification: Likely benign for Dilated cardiomyopathy 1G; Autosomal recessive limb-girdle muscular dystrophy type 2J. Last evaluated: 2025-10-02. Review status: criteria provided, single submitter. Criteria: Invitae Variant Classification Sherloc (09022015). Collection method: clinical testing. Allele origin: germline.

Ambry Genetics
Classification: Likely benign for Cardiovascular phenotype. Last evaluated: 2022-03-03. Review status: criteria provided, single submitter. Criteria: Ambry Variant Classification Scheme 2023. Collection method: clinical testing. Allele origin: germline.

Blueprint Genetics
Classification: Likely benign. Last evaluated: 2020-11-23. Review status: criteria provided, single submitter. Criteria: ACMG Guidelines, 2015. Collection method: clinical testing. Allele origin: germline.

GeneDx
Classification: Likely benign. Last evaluated: 2017-08-11. Review status: criteria provided, single submitter. Criteria: GeneDx Variant Classification (06012015). Collection method: clinical testing. Allele origin: germline. Affected: yes.
Comment: This variant is considered likely benign or benign based on one or more of the following criteria: it is a conservative change, it occurs at a poorly conserved position in the protein, it is predicted to be benign by multiple in silico algorithms, and/or has population frequency not consistent with disease.

Eurofins Ntd Llc (ga)
Classification: Uncertain significance. Last evaluated: 2017-06-20. Review status: criteria provided, single submitter. Criteria: EGL Classification Definitions 2015. Collection method: clinical testing. Allele origin: germline. Observed: 1 variant allele, 1 heterozygote.